The following is an entry in ClinVar:

NM_006950.3(SYN1):c.1569G>A (p.Ala523=)

Gene: SYN1 (synapsin I; minus strand). Cytogenetic location: Xp11.3.
Variant type: single nucleotide variant.
Coding change: c.1569G>A on transcript NM_006950.3 (MANE Select); coding-DNA position 1569, G replaced by A.
Protein change: p.Ala523=; no amino-acid change (alanine 523 retained).
Molecular consequence: synonymous variant.
Genome position (GRCh38, 1-based): chrX:47,574,415, C>T on the plus strand (G>A on the coding strand, the complement: SYN1 is on the minus strand). VCF-style: chrX-47574415-C-T. GRCh37 (hg19) VCF-style: chrX-47433814-C-T.
Other names: p.A523A:GCG>GCA; c.1569G>A, p.Ala523= (NM_133499.2).
Identifiers: ClinVar variation 139383 (VCV000139383.60), dbSNP rs587781185, ClinGen allele CA293844.

ClinVar aggregate classification (germline): Conflicting classifications of pathogenicity. Review status: criteria provided, conflicting classifications (1 of 4 stars). 6 submissions from 6 submitters: Uncertain significance (1); Benign (1); Likely benign (4). Last evaluated 2026-01-05.

Conditions:
Inborn genetic diseases. Identifiers: MedGen C0950123, MeSH D030342.
Epilepsy, X-linked 1, with variable learning disabilities and behavior disorders. Also called: X-linked epilepsy-learning disabilities-behavior disorders syndrome. Identifiers: Orphanet 85294, MedGen C5774177, MONDO:0010339, OMIM 300491.

Allele frequency attached by ClinVar (database versions not stated): ExAC below 0.00001; TOPMed 0.00015; gnomAD 0.00021 and 0.00022; gnomAD exomes 0.00025.
gnomAD v4.1: 244 of 1,026,253 alleles (0.024%); highest among the groups gnomAD compares: Non-Finnish European, 0.027%; no homozygotes.

Submissions (6):

Labcorp Genetics (formerly Invitae), Labcorp
Classification: Likely benign for Epilepsy, X-linked 1, with variable learning disabilities and behavior disorders. Last evaluated: 2026-01-05. Review status: criteria provided, single submitter. Criteria: Invitae Variant Classification Sherloc (09022015). Collection method: clinical testing. Allele origin: germline.

CeGaT Center for Human Genetics Tuebingen
Classification: Likely benign. Last evaluated: 2025-01-01. Review status: criteria provided, single submitter. Criteria: CeGaT Center For Human Genetics Tuebingen Variant Classification Criteria Version 2. Collection method: clinical testing. Allele origin: germline. Affected: yes. Observed: 3 variant alleles.
Comment: SYN1: BP4, BP7, BS2

Blueprint Genetics
Classification: Likely benign. Last evaluated: 2024-10-10. Review status: criteria provided, single submitter. Criteria: ACMG Guidelines, 2015. Collection method: clinical testing. Allele origin: germline.

Ambry Genetics
Classification: Likely benign for Inborn genetic diseases. Last evaluated: 2018-07-13. Review status: criteria provided, single submitter. Criteria: Ambry Variant Classification Scheme 2023. Collection method: clinical testing. Allele origin: germline.

Eurofins Ntd Llc (ga)
Classification: Uncertain significance. Last evaluated: 2017-04-11. Review status: criteria provided, single submitter. Criteria: EGL Classification Definitions 2015. Collection method: clinical testing. Allele origin: germline. Observed: 1 variant allele, 1 heterozygote.

GeneDx
Classification: Benign. Last evaluated: 2013-05-14. Review status: criteria provided, single submitter. Criteria: GeneDx Variant Classification (06012015). Collection method: clinical testing. Allele origin: germline. Affected: yes.
Comment: This variant is considered likely benign or benign based on one or more of the following criteria: it is a conservative change, it occurs at a poorly conserved position in the protein, it is predicted to be benign by multiple in silico algorithms, and/or has population frequency not consistent with disease.